The following is an entry in ClinVar:

ClinVar aggregate classification (germline): Conflicting classifications of pathogenicity. Review status: criteria provided, conflicting classifications (1 of 4 stars). 5 submissions from 5 submitters: Uncertain significance (1); Benign (4). Last evaluated 2026-02-02.

Conditions:
Autosomal recessive nonsyndromic hearing loss 3. Also called: NEUROSENSORY NONSYNDROMIC RECESSIVE DEAFNESS 3. Identifiers: Orphanet 90636, MedGen C1838263, MONDO:0010860, OMIM 600316.

Allele frequency attached by ClinVar (database versions not stated): gnomAD exomes 0.00198 and 0.00313; ExAC 0.00393; 1000 Genomes Project 0.01058; gnomAD 0.01096 and 0.01178; 1000 Genomes Project 30x 0.01109; ESP Exome Variant Server 0.01133; TOPMed 0.01169.
gnomAD v4.1: 4,569 of 1,613,968 alleles (0.28%); highest among the groups gnomAD compares: African/African-American, 3.8%; 75 homozygotes.

Submissions (5):

Labcorp Genetics (formerly Invitae), Labcorp
Classification: Benign. Last evaluated: 2026-02-02. Review status: criteria provided, single submitter. Criteria: Invitae Variant Classification Sherloc (09022015). Collection method: clinical testing. Allele origin: germline.

GeneDx
Classification: Benign. Last evaluated: 2019-09-19. Review status: criteria provided, single submitter. Criteria: GeneDx Variant Classification Process June 2021. Collection method: clinical testing. Allele origin: germline. Affected: yes.

Athena Diagnostics
Classification: Benign. Last evaluated: 2019-05-15. Review status: criteria provided, single submitter. Criteria: Athena Diagnostics Criteria. Collection method: clinical testing. Allele origin: germline.

Illumina Laboratory Services, Illumina
Classification: Uncertain significance for Autosomal recessive nonsyndromic hearing loss 3. Last evaluated: 2018-01-12. Review status: criteria provided, single submitter. Criteria: ICSL Variant Classification Criteria 13 December 2019. Collection method: clinical testing. Allele origin: germline.

Laboratory for Molecular Medicine, Mass General Brigham Personalized Medicine
Classification: Benign. Last evaluated: 2012-05-07. Review status: criteria provided, single submitter. Criteria: LMM Criteria. Collection method: clinical testing. Allele origin: germline. Observed: 16 variant alleles.
Comment: "Thr2754Thr in Exon 46 of MYO15A: This variant is not expected to have clinical significance because it does not alter an amino acid residue, is not located wit hin the splice consensus sequence, and has been identified in 3.0% (106/3522) of African American chromosomes from a broad population by the NHLBI Exome Sequenc ing Project (dbSNP rs1006770)."

NM_016239.4(MYO15A):c.8262G>A (p.Thr2754=)

Gene: MYO15A (myosin XVA; plus strand). Cytogenetic location: 17p11.2.
Variant type: single nucleotide variant.
Coding change: c.8262G>A on transcript NM_016239.4 (MANE Select); coding-DNA position 8262, G replaced by A.
Protein change: p.Thr2754=; no amino-acid change (threonine 2754 retained).
Molecular consequence: synonymous variant.
Genome position (GRCh38, 1-based): chr17:18,155,147, G>A. VCF-style: chr17-18155147-G-A. GRCh37 (hg19) VCF-style: chr17-18058461-G-A.
Identifiers: ClinVar variation 45766 (VCV000045766.19), dbSNP rs1006770, ClinGen allele CA137018.